The following is an entry in ClinVar:

NM_006445.4(PRPF8):c.6228-5T>C

Gene: PRPF8 (pre-mRNA processing factor 8; minus strand). Cytogenetic location: 17p13.3.
Variant type: single nucleotide variant.
Coding change: c.6228-5T>C on transcript NM_006445.4 (MANE Select); 5 bases into the intron before coding-DNA position 6228, T replaced by C.
Molecular consequence: intron variant.
Genome position (GRCh38, 1-based): chr17:1,653,688, A>G on the plus strand (T>C on the coding strand, the complement: PRPF8 is on the minus strand). VCF-style: chr17-1653688-A-G. GRCh37 (hg19) VCF-style: chr17-1556982-A-G.
Identifiers: ClinVar variation 4981988 (VCV004981988.1).

ClinVar aggregate classification (germline): Likely benign (1 of 4 stars; one submission).

Conditions:
PRPF8-related disorder. Also called: PRPF8-related condition.

gnomAD v4.1: 1 of 1,614,084 alleles (0.000062%); highest among the groups gnomAD compares: South Asian, 0.0011%; no homozygotes.

Submission:

PreventionGenetics, part of Exact Sciences
Classification: Likely benign for PRPF8-related condition. Last evaluated: 2026-08-12. Review status: criteria provided, single submitter. Criteria: ACMG Guidelines, 2015. Collection method: clinical testing. Allele origin: germline.
Comment: This variant is classified as likely benign based on ACMG/AMP sequence variant interpretation guidelines (Richards et al. 2015 PMID: 25741868, with internal and published modifications).